The following is an entry in ClinVar:

NM_001457.4(FLNB):c.7783A>C (p.Ser2595Arg)

Gene: FLNB (filamin B; plus strand). Cytogenetic location: 3p14.3.
Variant type: single nucleotide variant.
Coding change: c.7783A>C on transcript NM_001457.4 (MANE Select); coding-DNA position 7783, A replaced by C.
Protein change: p.Ser2595Arg; replaces serine 2595 with arginine.
Molecular consequence: missense variant.
Genome position (GRCh38, 1-based): chr3:58,170,736, A>C. VCF-style: chr3-58170736-A-C. GRCh37 (hg19) VCF-style: chr3-58156463-A-C.
Other names: c.7876A>C, p.Ser2626Arg (NM_001164317.2); c.7750A>C, p.Ser2584Arg (NM_001164318.2); c.7711A>C, p.Ser2571Arg (NM_001164319.2); short protein forms S2584R, S2626R, S2571R, S2595R.
Identifiers: ClinVar variation 3635760 (VCV003635760.2).

ClinVar aggregate classification (germline): Uncertain significance (1 of 4 stars; one submission).

gnomAD v4.1: 2 of 1,614,070 alleles (0.00012%); highest among the groups gnomAD compares: Non-Finnish European, 0.00017%; no homozygotes.

Submission:

Labcorp Genetics (formerly Invitae), Labcorp
Classification: Uncertain significance. Last evaluated: 2025-05-13. Review status: criteria provided, single submitter. Criteria: Invitae Variant Classification Sherloc (09022015). Collection method: clinical testing. Allele origin: germline.
Comment: This sequence change replaces serine, which is neutral and polar, with arginine, which is basic and polar, at codon 2595 of the FLNB protein (p.Ser2595Arg). This variant is not present in population databases (gnomAD no frequency). This variant has not been reported in the literature in individuals affected with FLNB-related conditions. ClinVar contains an entry for this variant (Variation ID: 3635760). Invitae Evidence Modeling of protein sequence and biophysical properties (such as structural, functional, and spatial information, amino acid conservation, physicochemical variation, residue mobility, and thermodynamic stability) has been performed for this missense variant. However, the output from this modeling did not meet the statistical confidence thresholds required to predict the impact of this variant on FLNB protein function. In summary, the available evidence is currently insufficient to determine the role of this variant in disease. Therefore, it has been classified as a Variant of Uncertain Significance.